The following is an entry in ClinVar:

NM_016383.5(LUZP4):c.600A>G (p.Gln200=)

Gene: LUZP4 (leucine zipper protein 4; plus strand). Cytogenetic location: Xq23.
Variant type: single nucleotide variant.
Coding change: c.600A>G on transcript NM_016383.5 (MANE Select); coding-DNA position 600, A replaced by G.
Protein change: p.Gln200=; no amino-acid change (glutamine 200 retained).
Molecular consequence: synonymous variant.
Genome position (GRCh38, 1-based): chrX:115,306,462, A>G. VCF-style: chrX-115306462-A-G. GRCh37 (hg19) VCF-style: chrX-114541027-A-G.
Other names: c.354A>G, p.Gln118= (NM_001318840.2).
Identifiers: ClinVar variation 3056343 (VCV003056343.2), dbSNP rs2232736, ClinGen allele CA10496721.

ClinVar aggregate classification (germline): Benign (0 of 4 stars; one submission).

Conditions:
LUZP4-related disorder. Also called: LUZP4-related condition.

Allele frequency attached by ClinVar (database versions not stated): 1000 Genomes Project 30x 0.04787; 1000 Genomes Project 0.04874; TOPMed 0.06094; gnomAD 0.06567; ESP Exome Variant Server 0.06797; ExAC 0.07654; gnomAD exomes 0.09366.
gnomAD v4.1: 109,884 of 1,208,958 alleles (9.1%); highest among the groups gnomAD compares: Non-Finnish European, 10%; 3,629 homozygotes.

Submission:

PreventionGenetics, part of Exact Sciences
Classification: Benign for LUZP4-related condition. Last evaluated: 2020-01-23. Review status: no assertion criteria provided. Collection method: clinical testing. Allele origin: germline.
Comment: This variant is classified as benign based on ACMG/AMP sequence variant interpretation guidelines (Richards et al. 2015 PMID: 25741868, with internal and published modifications).